The following is an entry in ClinVar:

NM_001322934.2(NFKB2):c.881A>G (p.Tyr294Cys)

Gene: NFKB2 (nuclear factor kappa B subunit 2; plus strand). Cytogenetic location: 10q24.32.
Variant type: single nucleotide variant.
Coding change: c.881A>G on transcript NM_001322934.2 (MANE Select); coding-DNA position 881, A replaced by G.
Protein change: p.Tyr294Cys; replaces tyrosine 294 with cysteine.
Molecular consequence: missense variant.
Genome position (GRCh38, 1-based): chr10:102,398,413, A>G. VCF-style: chr10-102398413-A-G. GRCh37 (hg19) VCF-style: chr10-104158170-A-G.
Other names: c.881A>G, p.Tyr294Cys (NM_001077493.1, NM_001077494.3, NM_001261403.3 and 3 more transcripts); short protein forms Y294C.
Identifiers: ClinVar variation 2444701 (VCV002444701.3), dbSNP rs2544584503, ClinGen allele CA377897742.

ClinVar aggregate classification (germline): Uncertain significance. Review status: criteria provided, multiple submitters, no conflicts (2 of 4 stars). 2 submissions from 2 submitters: Uncertain significance (2). Last evaluated 2024-08-20.

Conditions:
Immunodeficiency, common variable, 10. Also called: IMMUNODEFICIENCY, COMMON VARIABLE, WITH CENTRAL ADRENAL INSUFFICIENCY; DEFICIT IN ANTERIOR PITUITARY FUNCTION AND VARIABLE IMMUNODEFICIENCY. Identifiers: MedGen C3809991, MONDO:0014260, OMIM 615577.

Submissions (2):

Labcorp Genetics (formerly Invitae), Labcorp
Classification: Uncertain significance for Immunodeficiency, common variable, 10. Last evaluated: 2024-08-20. Review status: criteria provided, single submitter. Criteria: Invitae Variant Classification Sherloc (09022015). Collection method: clinical testing. Allele origin: germline.
Comment: This sequence change replaces tyrosine, which is neutral and polar, with cysteine, which is neutral and slightly polar, at codon 294 of the NFKB2 protein (p.Tyr294Cys). This variant is not present in population databases (gnomAD no frequency). This variant has not been reported in the literature in individuals affected with NFKB2-related conditions. ClinVar contains an entry for this variant (Variation ID: 2444701). An algorithm developed to predict the effect of missense changes on protein structure and function (PolyPhen-2) suggests that this variant is likely to be disruptive. In summary, the available evidence is currently insufficient to determine the role of this variant in disease. Therefore, it has been classified as a Variant of Uncertain Significance.

GeneDx
Classification: Uncertain significance. Last evaluated: 2022-09-10. Review status: criteria provided, single submitter. Criteria: GeneDx Variant Classification Process June 2021. Collection method: clinical testing. Allele origin: germline. Affected: yes.
Comment: Not observed at significant frequency in large population cohorts (gnomAD); In silico analysis supports that this missense variant has a deleterious effect on protein structure/function; Has not been previously published as pathogenic or benign to our knowledge